The following is an entry in ClinVar:

ClinVar aggregate classification (germline): Likely benign. Review status: criteria provided, single submitter (1 of 4 stars). 2 submissions from 2 submitters: Likely benign (1). 1 of the submissions does not count toward it. Last evaluated 2026-01-24.

Conditions:
Glycogen storage disease due to muscle beta-enolase deficiency (GSD13). Also called: ENOLASE 3 DEFICIENCY; ENOLASE-BETA DEFICIENCY; GSD XIII; Glycogen Storage Disease Type XIII. Identifiers: Orphanet 99849, MedGen C2752027, MONDO:0013046, OMIM 612932.
ENO3-related disorder. Also called: ENO3-related condition.

Allele frequency attached by ClinVar (database versions not stated): ExAC 0.00005; gnomAD 0.00008; TOPMed 0.00011.
gnomAD v4.1: 60 of 1,614,072 alleles (0.0037%); highest among the groups gnomAD compares: Middle Eastern, 0.049%; no homozygotes.

Submissions (2):

Labcorp Genetics (formerly Invitae), Labcorp
Classification: Likely benign for Glycogen storage disease due to muscle beta-enolase deficiency. Last evaluated: 2026-01-24. Review status: criteria provided, single submitter. Criteria: Invitae Variant Classification Sherloc (09022015). Collection method: clinical testing. Allele origin: germline.

PreventionGenetics, part of Exact Sciences
Classification: Likely benign for ENO3-related condition. Last evaluated: 2020-06-26. Review status: no assertion criteria provided. Collection method: clinical testing. Allele origin: germline. Not counted in ClinVar's aggregate classification.
Comment: This variant is classified as likely benign based on ACMG/AMP sequence variant interpretation guidelines (Richards et al. 2015 PMID: 25741868, with internal and published modifications).

NM_053013.4(ENO3):c.384C>T (p.Val128=)

Gene: ENO3 (enolase 3; plus strand). Cytogenetic location: 17p13.2.
Variant type: single nucleotide variant.
Coding change: c.384C>T on transcript NM_053013.4 (MANE Select); coding-DNA position 384, C replaced by T.
Protein change: p.Val128=; no amino-acid change (valine 128 retained).
Molecular consequence: synonymous variant.
Genome position (GRCh38, 1-based): chr17:4,953,785, C>T. VCF-style: chr17-4953785-C-T. GRCh37 (hg19) VCF-style: chr17-4857080-C-T.
Other names: c.255C>T, p.Val85= (NM_001193503.2); c.384C>T, p.Val128= (NM_001374523.1, NM_001976.5); c.411C>T, p.Val137= (NM_001374524.1); c.384C>T (NM_053013.3).
Identifiers: ClinVar variation 2155373 (VCV002155373.6), dbSNP rs753695984, ClinGen allele CA8316282.